The following is an entry in ClinVar:

NM_014845.6(FIG4):c.205C>T (p.Arg69Cys)

Gene: FIG4 (FIG4 phosphoinositide 5-phosphatase; plus strand). Cytogenetic location: 6q21.
Variant type: single nucleotide variant.
Coding change: c.205C>T on transcript NM_014845.6 (MANE Select); coding-DNA position 205, C replaced by T.
Protein change: p.Arg69Cys; replaces arginine 69 with cysteine.
Molecular consequence: missense variant.
Genome position (GRCh38, 1-based): chr6:109,716,484, C>T. VCF-style: chr6-109716484-C-T. GRCh37 (hg19) VCF-style: chr6-110037687-C-T.
Other names: short protein forms R69C.
Identifiers: ClinVar variation 587490 (VCV000587490.50), dbSNP rs540674198, ClinGen allele CA3955710.

ClinVar aggregate classification (germline): Uncertain significance. Review status: criteria provided, multiple submitters, no conflicts (2 of 4 stars). 8 submissions from 7 submitters: Uncertain significance (8). Last evaluated 2023-06-07.

Conditions:
Charcot-Marie-Tooth disease type 4J (CMT4J). Also called: Charcot-Marie-Tooth Neuropathy Type 4J; CHARCOT-MARIE-TOOTH DISEASE, AUTOSOMAL RECESSIVE, TYPE 4J; CHARCOT-MARIE-TOOTH DISEASE, DEMYELINATING, TYPE 4J. Identifiers: Orphanet 139515, MedGen C1970011, MONDO:0012640, OMIM 611228.
Amyotrophic lateral sclerosis type 11 (ALS11). Identifiers: Orphanet 803, MedGen C2675491, MONDO:0012945, OMIM 612577.
FIG4-related disorder. Also called: FIG4-related disorders; FIG4-related condition.
Inborn genetic diseases. Identifiers: MedGen C0950123, MeSH D030342.
Charcot-Marie-Tooth disease type 4. Also called: Charcot-Marie-Tooth disease, type IV; Charcot-Marie-Tooth, Type 4. Identifiers: Orphanet 64749, MedGen C4082197, MONDO:0018995.

Allele frequency attached by ClinVar (database versions not stated): 1000 Genomes Project 30x 0.00016; TOPMed 0.00017; 1000 Genomes Project 0.00020; gnomAD exomes 0.00005; ExAC 0.00007; gnomAD 0.00011 and 0.00013.

Submissions (8):

PreventionGenetics, part of Exact Sciences
Classification: Uncertain significance for FIG4-related condition. Last evaluated: 2023-06-07. Review status: criteria provided, single submitter. Criteria: ACMG Guidelines, 2015. Collection method: clinical testing. Allele origin: germline.
Comment: The FIG4 c.205C>T variant is predicted to result in the amino acid substitution p.Arg69Cys. To our knowledge, this variant has not been reported in the literature. This variant is reported in 0.018% of alleles in individuals of African descent in gnomAD. Although we suspect that this variant may be benign, at this time, the clinical significance of this variant is uncertain due to the absence of conclusive functional and genetic evidence.

Ambry Genetics
Classification: Uncertain significance for Inborn genetic diseases. Last evaluated: 2022-11-17. Review status: criteria provided, single submitter. Criteria: Ambry Variant Classification Scheme 2023. Collection method: clinical testing. Allele origin: germline.

Labcorp Genetics (formerly Invitae), Labcorp
Classification: Uncertain significance for Charcot-Marie-Tooth disease type 4. Last evaluated: 2022-08-06. Review status: criteria provided, single submitter. Criteria: Invitae Variant Classification Sherloc (09022015). Collection method: clinical testing. Allele origin: germline.
Comment: This sequence change replaces arginine, which is basic and polar, with cysteine, which is neutral and slightly polar, at codon 69 of the FIG4 protein (p.Arg69Cys). This variant is present in population databases (rs540674198, gnomAD 0.02%). This variant has not been reported in the literature in individuals affected with FIG4-related conditions. ClinVar contains an entry for this variant (Variation ID: 587490). Algorithms developed to predict the effect of missense changes on protein structure and function output the following: SIFT: "Deleterious"; PolyPhen-2: "Probably Damaging"; Align-GVGD: "Class C0". The cysteine amino acid residue is found in multiple mammalian species, which suggests that this missense change does not adversely affect protein function. In summary, the available evidence is currently insufficient to determine the role of this variant in disease. Therefore, it has been classified as a Variant of Uncertain Significance.

CeGaT Center for Human Genetics Tuebingen
Classification: Uncertain significance. Last evaluated: 2021-08-01. Review status: criteria provided, single submitter. Criteria: CeGaT Center For Human Genetics Tuebingen Variant Classification Criteria Version 2. Collection method: clinical testing. Allele origin: germline. Affected: yes. Observed: 1 variant allele.

GeneDx
Classification: Uncertain significance. Last evaluated: 2020-04-27. Review status: criteria provided, single submitter. Criteria: GeneDx Variant Classification Process June 2021. Collection method: clinical testing. Allele origin: germline. Affected: yes.
Comment: In silico analysis supports that this missense variant does not alter protein structure/function; Has not been previously published as pathogenic or benign to our knowledge

Genomic Research Center, Shahid Beheshti University of Medical Sciences
Classification: Uncertain significance for FIG4-Related Disorders. Last evaluated: 2018-08-07. Review status: criteria provided, single submitter. Criteria: ACMG Guidelines, 2015. Collection method: clinical testing. Allele origin: inherited. Affected: yes. Observed: 1 variant allele.

Illumina Laboratory Services, Illumina
Classification: Uncertain significance for Charcot-Marie-Tooth disease type 4J. Last evaluated: 2017-04-27. Review status: criteria provided, single submitter. Criteria: ICSL Variant Classification Criteria 13 December 2019. Collection method: clinical testing. Allele origin: germline.

Illumina Laboratory Services, Illumina
Classification: Uncertain significance for Amyotrophic lateral sclerosis type 11. Last evaluated: 2017-04-27. Review status: criteria provided, single submitter. Criteria: ICSL Variant Classification Criteria 13 December 2019. Collection method: clinical testing. Allele origin: germline.